The following is an entry in ClinVar:

ClinVar aggregate classification (germline): Likely benign (1 of 4 stars; one submission).

Allele frequency attached by ClinVar (database versions not stated): 1000 Genomes Project 30x 0.00094; 1000 Genomes Project 0.00100; TOPMed 0.00336; ExAC 0.00363; gnomAD 0.00370; ESP Exome Variant Server 0.00384; gnomAD exomes 0.00530.
gnomAD v4.1: 8,252 of 1,614,062 alleles (0.51%); highest among the groups gnomAD compares: Non-Finnish European, 0.63%; 31 homozygotes.

Submission:

CeGaT Center for Human Genetics Tuebingen
Classification: Likely benign. Last evaluated: 2022-04-01. Review status: criteria provided, single submitter. Criteria: CeGaT Center For Human Genetics Tuebingen Variant Classification Criteria Version 2. Collection method: clinical testing. Allele origin: germline. Affected: yes. Observed: 1 variant allele.
Comment: IRX2: BP4, BP7

NM_033267.5(IRX2):c.612C>G (p.Pro204=)

Gene: IRX2 (iroquois homeobox 2; minus strand). Cytogenetic location: 5p15.33.
Variant type: single nucleotide variant.
Coding change: c.612C>G on transcript NM_033267.5 (MANE Select); coding-DNA position 612, C replaced by G.
Protein change: p.Pro204=; no amino-acid change (proline 204 retained).
Molecular consequence: synonymous variant.
Genome position (GRCh38, 1-based): chr5:2,749,425, G>C on the plus strand (C>G on the coding strand, the complement: IRX2 is on the minus strand). VCF-style: chr5-2749425-G-C. GRCh37 (hg19) VCF-style: chr5-2749539-G-C.
Other names: c.612C>G, p.Pro204= (NM_001134222.2).
Identifiers: ClinVar variation 2655279 (VCV002655279.24), dbSNP rs61748183, ClinGen allele CA3188403.